The following is an entry in ClinVar:

ClinVar aggregate classification (germline): Uncertain significance. Review status: criteria provided, single submitter (1 of 4 stars). 2 submissions from 2 submitters: Uncertain significance (1). 1 of the submissions does not count toward it. Last evaluated 2025-07-16.

Conditions:
Inborn genetic diseases. Identifiers: MedGen C0950123, MeSH D030342.
SPEF2-related disorder. Also called: SPEF2-related condition.

gnomAD v4.1: 216 of 1,608,406 alleles (0.013%); highest among the groups gnomAD compares: African/African-American, 0.23%; 1 homozygote.

Submissions (2):

Ambry Genetics
Classification: Uncertain significance for Inborn genetic diseases. Last evaluated: 2025-07-16. Review status: criteria provided, single submitter. Criteria: Ambry Variant Classification Scheme 2023. Collection method: clinical testing. Allele origin: germline.

PreventionGenetics, part of Exact Sciences
Classification: Likely benign for SPEF2-related condition. Last evaluated: 2024-03-20. Review status: no assertion criteria provided. Collection method: clinical testing. Allele origin: germline. Not counted in ClinVar's aggregate classification.
Comment: This variant is classified as likely benign based on ACMG/AMP sequence variant interpretation guidelines (Richards et al. 2015 PMID: 25741868, with internal and published modifications).

NM_024867.4(SPEF2):c.4199A>G (p.Tyr1400Cys)

Gene: SPEF2 (sperm flagellar 2; plus strand). Cytogenetic location: 5p13.2.
Variant type: single nucleotide variant.
Coding change: c.4199A>G on transcript NM_024867.4 (MANE Select); coding-DNA position 4199, A replaced by G.
Protein change: p.Tyr1400Cys; replaces tyrosine 1400 with cysteine.
Molecular consequence: missense variant.
Genome position (GRCh38, 1-based): chr5:35,776,377, A>G. VCF-style: chr5-35776377-A-G. GRCh37 (hg19) VCF-style: chr5-35776479-A-G.
Other names: short protein forms Y1400C.
Identifiers: ClinVar variation 3352626 (VCV003352626.2).